The following is an entry in ClinVar:

ClinVar aggregate classification (germline): Uncertain significance (1 of 4 stars; one submission).

Submission:

Labcorp Genetics (formerly Invitae), Labcorp
Classification: Uncertain significance. Last evaluated: 2022-08-16. Review status: criteria provided, single submitter. Criteria: Invitae Variant Classification Sherloc (09022015). Collection method: clinical testing. Allele origin: germline.
Comment: In summary, the available evidence is currently insufficient to determine the role of this variant in disease. Therefore, it has been classified as a Variant of Uncertain Significance. This variant has not been reported in the literature in individuals affected with STAG1-related conditions. A copy number gain of the genomic region encompassing the full coding sequence of the STAG1 gene has been identified. The boundaries of this event are unknown as they extend beyond the assayed region for this gene and therefore may encompass additional genes. As the precise location of this event is unknown, it may be in tandem or it may be located elsewhere in the genome.

NC_000003.11:g.(?_135969218)_(136349740_?)dup

Genes: PCCB (propionyl-CoA carboxylase subunit beta; plus strand), STAG1 (STAG1 cohesin complex component; minus strand). Cytogenetic location: 3q22.3.
Variant type: Duplication.
Identifiers: ClinVar variation 2425423 (VCV002425423.4).